The following is an entry in ClinVar:

NM_000093.5(COL5A1):c.2312delinsTGGCAAAGA (p.Pro771fs)

Gene: COL5A1 (collagen type V alpha 1 chain; plus strand). Cytogenetic location: 9q34.3.
Variant type: Indel.
Coding change: c.2312delinsTGGCAAAGA on transcript NM_000093.5 (MANE Select); coding-DNA position 2312, C replaced by TGGCAAAGA.
Protein change: p.Pro771fs; shifts the reading frame from proline 771.
Molecular consequence: frameshift variant.
Genome position (GRCh38, 1-based): chr9:134,772,815, C replaced by TGGCAAAGA. VCF-style: chr9-134772815-C-TGGCAAAGA. GRCh37 (hg19) VCF-style: chr9-137664661-C-TGGCAAAGA.
Other names: c.2312delinsTGGCAAAGA, p.Pro771fs (NM_001278074.1); short protein forms P771fs.
Identifiers: ClinVar variation 2084714 (VCV002084714.4), dbSNP rs2490683549, ClinGen allele CA2580080004.

ClinVar aggregate classification (germline): Pathogenic (1 of 4 stars; one submission).

Conditions:
Ehlers-Danlos syndrome, classic type, 1 (EDSCL1). Also called: EHLERS-DANLOS SYNDROME, GRAVIS TYPE; EHLERS-DANLOS SYNDROME, SEVERE CLASSIC TYPE; Ehlers-Danlos syndrome, type 1; EDS I; Ehlers-Danlos Syndrome, Classic Type, COL5A1-Related. Identifiers: MedGen C0268335, MONDO:0019567, OMIM 130000.

Submission:

Labcorp Genetics (formerly Invitae), Labcorp
Classification: Pathogenic for Ehlers-Danlos syndrome, classic type, 1. Last evaluated: 2022-03-17. Review status: criteria provided, single submitter. Criteria: Invitae Variant Classification Sherloc (09022015). Collection method: clinical testing. Allele origin: germline.
Comment: This variant has not been reported in the literature in individuals affected with COL5A1-related conditions. For these reasons, this variant has been classified as Pathogenic. This sequence change creates a premature translational stop signal (p.Pro771Leufs*36) in the COL5A1 gene. It is expected to result in an absent or disrupted protein product. Loss-of-function variants in COL5A1 are known to be pathogenic (PMID: 23587214). This variant is not present in population databases (gnomAD no frequency).

Literature cited by the submitters: PubMed 23587214.